The following is an entry in ClinVar:

ClinVar aggregate classification (germline): Uncertain significance. Review status: criteria provided, multiple submitters, no conflicts (2 of 4 stars). 2 submissions from 2 submitters: Uncertain significance (2). Last evaluated 2025-05-21.

Conditions:
EGFR-related lung cancer (EGFR). Identifiers: MedGen CN130014.
Hereditary cancer-predisposing syndrome. Also called: Hereditary Cancer Syndrome; Neoplastic Syndromes, Hereditary; Tumor predisposition; Hereditary neoplastic syndrome. Identifiers: Orphanet 140162, MedGen C0027672, MeSH D009386, MONDO:0015356.

Submissions (2):

Labcorp Genetics (formerly Invitae), Labcorp
Classification: Uncertain significance for EGFR-related lung cancer. Last evaluated: 2025-05-21. Review status: criteria provided, single submitter. Criteria: Invitae Variant Classification Sherloc (09022015). Collection method: clinical testing. Allele origin: germline.
Comment: This sequence change replaces glycine, which is neutral and non-polar, with glutamic acid, which is acidic and polar, at codon 221 of the EGFR protein (p.Gly221Glu). This variant is not present in population databases (gnomAD no frequency). This variant has not been reported in the literature in individuals affected with EGFR-related conditions. ClinVar contains an entry for this variant (Variation ID: 1979027). Invitae Evidence Modeling of protein sequence and biophysical properties (such as structural, functional, and spatial information, amino acid conservation, physicochemical variation, residue mobility, and thermodynamic stability) indicates that this missense variant is not expected to disrupt EGFR protein function with a negative predictive value of 80%. In summary, the available evidence is currently insufficient to determine the role of this variant in disease. Therefore, it has been classified as a Variant of Uncertain Significance.

Ambry Genetics
Classification: Uncertain significance for Hereditary cancer-predisposing syndrome. Last evaluated: 2024-12-22. Review status: criteria provided, single submitter. Criteria: Ambry Variant Classification Scheme 2023. Collection method: clinical testing. Allele origin: germline.
Comment: The p.G221E variant (also known as c.662G>A), located in coding exon 6 of the EGFR gene, results from a G to A substitution at nucleotide position 662. The glycine at codon 221 is replaced by glutamic acid, an amino acid with similar properties. This amino acid position is conserved. In addition, this alteration is predicted to be tolerated by in silico analysis. Based on the available evidence, the clinical significance of this variant remains unclear.

NM_005228.5(EGFR):c.662G>A (p.Gly221Glu)

Gene: EGFR (epidermal growth factor receptor; plus strand). Cytogenetic location: 7p11.2.
Variant type: single nucleotide variant.
Coding change: c.662G>A on transcript NM_005228.5 (MANE Select); coding-DNA position 662, G replaced by A.
Protein change: p.Gly221Glu; replaces glycine 221 with glutamic acid.
Molecular consequence: missense variant. On other transcripts: intron variant (1).
Genome position (GRCh38, 1-based): chr7:55,152,579, G>A. VCF-style: chr7-55152579-G-A. GRCh37 (hg19) VCF-style: chr7-55220272-G-A.
Other names: c.527G>A, p.Gly176Glu (NM_001346897.2, NM_001346899.2); c.662G>A, p.Gly221Glu (NM_001346898.2, NM_201282.2, NM_201283.2 and 1 more transcripts); c.503G>A, p.Gly168Glu (NM_001346900.2); c.89-3251G>A (NM_001346941.2); short protein forms G168E, G221E, G176E.
Identifiers: ClinVar variation 1979027 (VCV001979027.5), dbSNP rs2128933719, ClinGen allele CA367577387.